The following is an entry in ClinVar:

NM_144668.6(CFAP251):c.1359C>T (p.Ile453=)

Gene: CFAP251 (cilia and flagella associated protein 251; plus strand). Cytogenetic location: 12q24.31.
Variant type: single nucleotide variant.
Coding change: c.1359C>T on transcript NM_144668.6 (MANE Select); coding-DNA position 1359, C replaced by T.
Protein change: p.Ile453=; no amino-acid change (isoleucine 453 retained).
Molecular consequence: synonymous variant.
Genome position (GRCh38, 1-based): chr12:121,954,158, C>T. VCF-style: chr12-121954158-C-T. GRCh37 (hg19) VCF-style: chr12-122392064-C-T.
Other names: c.1359C>T, p.Ile453= (NM_001178003.2).
Identifiers: ClinVar variation 1711359 (VCV001711359.30), dbSNP rs61952863, ClinGen allele CA6840609.

ClinVar aggregate classification (germline): Likely benign (1 of 4 stars; one submission).

Allele frequency attached by ClinVar (database versions not stated): 1000 Genomes Project 30x 0.00016; ESP Exome Variant Server 0.00083; gnomAD 0.00084; ExAC 0.00088; TOPMed 0.00099; gnomAD exomes 0.00116.
gnomAD v4.1: 1,852 of 1,614,156 alleles (0.11%); highest among the groups gnomAD compares: Middle Eastern, 1%; 7 homozygotes.

Submission:

CeGaT Center for Human Genetics Tuebingen
Classification: Likely benign. Last evaluated: 2026-08-01. Review status: criteria provided, single submitter. Criteria: CeGaT Center For Human Genetics Tuebingen Variant Classification Criteria Version 2. Collection method: clinical testing. Allele origin: germline. Affected: yes. Observed: 2 variant alleles.
Comment: CFAP251: BP4, BP7